The following is an entry in ClinVar:

ClinVar aggregate classification (germline): Uncertain significance (1 of 4 stars; one submission).

Submission:

Labcorp Genetics (formerly Invitae), Labcorp
Classification: Uncertain significance. Last evaluated: 2022-05-15. Review status: criteria provided, single submitter. Criteria: Invitae Variant Classification Sherloc (09022015). Collection method: clinical testing. Allele origin: germline.
Comment: This sequence change replaces glycine, which is neutral and non-polar, with arginine, which is basic and polar, at codon 1301 of the ALPK3 protein (p.Gly1301Arg). This variant is not present in population databases (gnomAD no frequency). This variant has not been reported in the literature in individuals affected with ALPK3-related conditions. Algorithms developed to predict the effect of missense changes on protein structure and function output the following: SIFT: "Deleterious"; PolyPhen-2: "Benign"; Align-GVGD: "Class C0". The arginine amino acid residue is found in multiple mammalian species, which suggests that this missense change does not adversely affect protein function. In summary, the available evidence is currently insufficient to determine the role of this variant in disease. Therefore, it has been classified as a Variant of Uncertain Significance.

NM_020778.5(ALPK3):c.3295G>A (p.Gly1099Arg)

Gene: ALPK3 (alpha kinase 3; plus strand). Cytogenetic location: 15q25.3.
Variant type: single nucleotide variant.
Coding change: c.3295G>A on transcript NM_020778.5 (MANE Select); coding-DNA position 3295, G replaced by A.
Protein change: p.Gly1099Arg; replaces glycine 1099 with arginine.
Molecular consequence: missense variant.
Genome position (GRCh38, 1-based): chr15:84,858,033, G>A. VCF-style: chr15-84858033-G-A. GRCh37 (hg19) VCF-style: chr15-85401264-G-A.
Other names: short protein forms G1099R.
Identifiers: ClinVar variation 1378761 (VCV001378761.6), dbSNP rs1234276224, ClinGen allele CA393359985.